The following is an entry in ClinVar:

ClinVar aggregate classification (germline): Likely benign (1 of 4 stars; one submission).

gnomAD v4.1: 167 of 1,208,073 alleles (0.014%); highest among the groups gnomAD compares: South Asian, 0.023%; no homozygotes.

Submission:

CeGaT Center for Human Genetics Tuebingen
Classification: Likely benign. Last evaluated: 2026-01-01. Review status: criteria provided, single submitter. Criteria: CeGaT Center For Human Genetics Tuebingen Variant Classification Criteria Version 2. Collection method: clinical testing. Allele origin: germline. Affected: yes. Observed: 3 variant alleles.
Comment: KIF4A: BP4, BS2

NM_012310.5(KIF4A):c.2388+8C>T

Gene: KIF4A (kinesin family member 4A; plus strand). Cytogenetic location: Xq13.1.
Variant type: single nucleotide variant.
Coding change: c.2388+8C>T on transcript NM_012310.5 (MANE Select); 8 bases into the intron after coding-DNA position 2388, C replaced by T.
Molecular consequence: intron variant.
Genome position (GRCh38, 1-based): chrX:70,395,834, C>T. VCF-style: chrX-70395834-C-T. GRCh37 (hg19) VCF-style: chrX-69615684-C-T.
Identifiers: ClinVar variation 4280971 (VCV004280971.7).